The following is an entry in ClinVar:

ClinVar aggregate classification (germline): Uncertain significance (1 of 4 stars; one submission).

Submission:

GeneDx
Classification: Uncertain significance. Last evaluated: 2026-03-06. Review status: criteria provided, single submitter. Criteria: GeneDx Variant Classification Process June 2021. Collection method: clinical testing. Allele origin: germline.
Comment: Nonsense variant predicted to result in protein truncation as the last 732 amino acids are lost; Has not been previously published as pathogenic or benign to our knowledge

NM_015721.3(GEMIN4):c.980G>A (p.Trp327Ter)

Gene: GEMIN4 (gem nuclear organelle associated protein 4; minus strand). Cytogenetic location: 17p13.3.
Variant type: single nucleotide variant.
Coding change: c.980G>A on transcript NM_015721.3 (MANE Select); coding-DNA position 980, G replaced by A.
Protein change: p.Trp327Ter; replaces tryptophan 327 with a stop codon.
Molecular consequence: nonsense.
Genome position (GRCh38, 1-based): chr17:747,063, C>T on the plus strand (G>A on the coding strand, the complement: GEMIN4 is on the minus strand). VCF-style: chr17-747063-C-T. GRCh37 (hg19) VCF-style: chr17-650303-C-T.
Other names: short protein forms W327*.
Identifiers: ClinVar variation 4888214 (VCV004888214.1).
Genomic context (GRCh38, chr17:747,063, plus strand): 5'-CGGTAGCTGTCGTAACTTGTCCCCTGGCTGCTGCGGAGCACGGCCTGCAACTCCTCCCCC[C>T]ACTCCCGCAGCAGGTGGTGCAGGAACTCGCAGCCCACGAAAATGGTCTCACTGGGGAGTT-3'